The following is an entry in ClinVar:

NM_000066.4(C8B):c.870C>G (p.Ser290Arg)

Gene: C8B (complement C8 beta chain; minus strand). Cytogenetic location: 1p32.2.
Variant type: single nucleotide variant.
Coding change: c.870C>G on transcript NM_000066.4 (MANE Select); coding-DNA position 870, C replaced by G.
Protein change: p.Ser290Arg; replaces serine 290 with arginine.
Molecular consequence: missense variant.
Genome position (GRCh38, 1-based): chr1:56,946,056, G>C on the plus strand (C>G on the coding strand, the complement: C8B is on the minus strand). VCF-style: chr1-56946056-G-C. GRCh37 (hg19) VCF-style: chr1-57411729-G-C.
Other names: c.714C>G, p.Ser238Arg (NM_001278543.2); c.684C>G, p.Ser228Arg (NM_001278544.2); short protein forms S228R, S290R, S238R.
Identifiers: ClinVar variation 2080963 (VCV002080963.4), dbSNP rs771744350, ClinGen allele CA22871097.

ClinVar aggregate classification (germline): Uncertain significance (1 of 4 stars; one submission).

gnomAD v4.1: 2 of 1,614,040 alleles (0.00012%); highest among the groups gnomAD compares: Non-Finnish European, 0.00017%; no homozygotes.

Submission:

Labcorp Genetics (formerly Invitae), Labcorp
Classification: Uncertain significance. Last evaluated: 2022-01-12. Review status: criteria provided, single submitter. Criteria: Invitae Variant Classification Sherloc (09022015). Collection method: clinical testing. Allele origin: germline.
Comment: In summary, the available evidence is currently insufficient to determine the role of this variant in disease. Therefore, it has been classified as a Variant of Uncertain Significance. This sequence change replaces serine, which is neutral and polar, with arginine, which is basic and polar, at codon 290 of the C8B protein (p.Ser290Arg). This variant is not present in population databases (gnomAD no frequency). This variant has not been reported in the literature in individuals affected with C8B-related conditions. Algorithms developed to predict the effect of missense changes on protein structure and function (SIFT, PolyPhen-2, Align-GVGD) all suggest that this variant is likely to be tolerated.